The following is an entry in ClinVar:

NM_001065.4(TNFRSF1A):c.80T>A (p.Val27Asp)

Gene: TNFRSF1A (TNF receptor superfamily member 1A; minus strand). Cytogenetic location: 12p13.31.
Variant type: single nucleotide variant.
Coding change: c.80T>A on transcript NM_001065.4 (MANE Select); coding-DNA position 80, T replaced by A.
Protein change: p.Val27Asp; replaces valine 27 with aspartic acid.
Molecular consequence: missense variant. On other transcripts: 5 prime UTR variant (1), non-coding transcript variant (1), intron variant (1).
Genome position (GRCh38, 1-based): chr12:6,334,204, A>T on the plus strand (T>A on the coding strand, the complement: TNFRSF1A is on the minus strand). VCF-style: chr12-6334204-A-T. GRCh37 (hg19) VCF-style: chr12-6443370-A-T.
Other names: c.-498T>A (NM_001346092.2); c.-131-339T>A (NM_001346091.2); short protein forms V27D.
Identifiers: ClinVar variation 1003145 (VCV001003145.9), dbSNP rs753595201, ClinGen allele CA6405611.
Genomic context (GRCh38, chr12:6,334,204, plus strand): 5'-CCTTGGGGACACACACTATCTCTCTTCTCCCTGTCCCCTAGGTGAGGGACCAGTCCAATA[A>T]CCCCTGAGGGGTATATTCCCACCAACAGCTCCAGGAGCACCTGGGGAAGAATCAGATAGA-3'
Protein context (NP_001056.1, residues 17-37): ELLVGIYPSG[Val27Asp]IGLVPHLGDR

ClinVar aggregate classification (germline): Uncertain significance (1 of 4 stars; one submission).

Conditions:
TNF receptor-associated periodic fever syndrome (TRAPS) (FPF). Also called: FAMILIAL HIBERNIAN FEVER; TNF RECEPTOR-ASSOCIATED PERIODIC SYNDROME; TUMOR NECROSIS FACTOR RECEPTOR-ASSOCIATED PERIODIC SYNDROME; TNF receptor 1-associated periodic fever syndrome; TNF Receptor-Associated Periodic Fever Syndrome; Autosomal Dominant Familial Periodic Fever. Identifiers: Orphanet 32960, MedGen C1275126, MONDO:0007727, OMIM 142680.

Allele frequency attached by ClinVar (database versions not stated): gnomAD exomes 0.00001; TOPMed 0.00001; ExAC 0.00001.
gnomAD v4.1: 61 of 1,613,870 alleles (0.0038%); highest among the groups gnomAD compares: Non-Finnish European, 0.0051%; no homozygotes.

Submission:

Labcorp Genetics (formerly Invitae), Labcorp
Classification: Uncertain significance for TNF receptor-associated periodic fever syndrome (TRAPS). Last evaluated: 2020-02-17. Review status: criteria provided, single submitter. Criteria: Invitae Variant Classification Sherloc (09022015). Collection method: clinical testing. Allele origin: germline.
Comment: In summary, the available evidence is currently insufficient to determine the role of this variant in disease. Therefore, it has been classified as a Variant of Uncertain Significance. This sequence change replaces valine with aspartic acid at codon 27 of the TNFRSF1A protein (p.Val27Asp). The valine residue is moderately conserved and there is a large physicochemical difference between valine and aspartic acid. This variant is present in population databases (rs753595201, ExAC 0.001%). This variant has not been reported in the literature in individuals with TNFRSF1A-related conditions. Algorithms developed to predict the effect of missense changes on protein structure and function are either unavailable or do not agree on the potential impact of this missense change (SIFT: "Deleterious"; PolyPhen-2: "Probably Damaging"; Align-GVGD: "Class C0").